The following is an entry in ClinVar:

NM_000297.4(PKD2):c.2051dup (p.Tyr684Ter)

Gene: PKD2 (polycystin 2, transient receptor potential cation channel; plus strand). Cytogenetic location: 4q22.1.
Variant type: Duplication.
Coding change: c.2051dup on transcript NM_000297.4 (MANE Select); coding-DNA position 2051, one base duplicated (A; older notation c.2051dupA).
Protein change: p.Tyr684Ter; replaces tyrosine 684 with a stop codon.
Molecular consequence: nonsense. On other transcripts: non-coding transcript variant (1).
Genome position (GRCh38, 1-based): chr4:88,061,937, A duplicated. VCF-style (leftmost placement, unchanged base first): chr4-88061936-T-TA. GRCh37 (hg19) VCF-style: chr4-88983088-T-TA.
Other names: c.2051dupA (NM_000297.3); short protein forms Y684*.
Identifiers: ClinVar variation 2577414 (VCV002577414.3), dbSNP rs1578144873, ClinGen allele CA915943169.

ClinVar aggregate classification (germline): Pathogenic. Review status: criteria provided, single submitter (1 of 4 stars). 2 submissions from 2 submitters: Pathogenic (1). 1 of the submissions does not count toward it. Last evaluated 2026-07-23.

Conditions:
PKD2-related disorder. Also called: PKD2-related condition.
Polycystic kidney disease 2 (PKD2). Also called: Polycystic Kidney Disease 2, Autosomal Dominant; POLYCYSTIC KIDNEY DISEASE, ADULT, TYPE II; POLYCYSTIC KIDNEY DISEASE 2 WITH OR WITHOUT POLYCYSTIC LIVER DISEASE. Identifiers: MedGen C2751306, MONDO:0013131, OMIM 613095.

Submissions (2):

PreventionGenetics, part of Exact Sciences
Classification: Pathogenic for PKD2-related condition. Last evaluated: 2026-07-23. Review status: criteria provided, single submitter. Criteria: ACMG Guidelines, 2015. Collection method: clinical testing. Allele origin: germline.
Comment: The PKD2 c.2051dupA variant is predicted to result in premature protein termination (p.Tyr684*). This variant has been reported in an individual with polycystic kidney disease (Cheng et al. 2021. PubMed ID: 33423257). This variant has not been reported in a large population database (gnomAD), indicating this variant is rare. Nonsense variants in PKD2 are expected to be pathogenic. This variant is interpreted as pathogenic.

MVZ Medizinische Genetik Mainz
Classification: Pathogenic for Polycystic kidney disease 2. Last evaluated: 2022-07-27. Review status: no assertion criteria provided. Collection method: clinical testing. Allele origin: germline. Inheritance: Autosomal dominant inheritance. Affected: yes. Observed: 1 variant allele. Not counted in ClinVar's aggregate classification.